The following is an entry in ClinVar:

NM_000093.5(COL5A1):c.3637G>A (p.Gly1213Ser)

Gene: COL5A1 (collagen type V alpha 1 chain; plus strand). Cytogenetic location: 9q34.3.
Variant type: single nucleotide variant.
Coding change: c.3637G>A on transcript NM_000093.5 (MANE Select); coding-DNA position 3637, G replaced by A.
Protein change: p.Gly1213Ser; replaces glycine 1213 with serine.
Molecular consequence: missense variant.
Genome position (GRCh38, 1-based): chr9:134,811,546, G>A. VCF-style: chr9-134811546-G-A. GRCh37 (hg19) VCF-style: chr9-137703392-G-A.
Other names: c.3637G>A, p.Gly1213Ser (NM_001278074.1); short protein forms G1213S.
Identifiers: ClinVar variation 2695557 (VCV002695557.3), dbSNP rs2490819589, ClinGen allele CA375454178.
Genomic context (GRCh38, chr9:134,811,546, plus strand): 5'-CTGCAGGGAGCTGACGGCGAGCCGGGGCCTCGGGGCCAGCAGGGCCTTTTCGGGCAGAAA[G>A]GTGATGAAGGTCCCAGAGGCTTTCCTGGACCCCCTGGGCCAGTGGGGCTGCAGGTAACTG-3'
Protein context (NP_000084.3, residues 1203-1223): RGQQGLFGQK[Gly1213Ser]DEGPRGFPGP

ClinVar aggregate classification (germline): Uncertain significance (1 of 4 stars; one submission).

Conditions:
Ehlers-Danlos syndrome, classic type, 1 (EDSCL1). Also called: EHLERS-DANLOS SYNDROME, GRAVIS TYPE; EHLERS-DANLOS SYNDROME, SEVERE CLASSIC TYPE; Ehlers-Danlos syndrome, type 1; Ehlers-Danlos Syndrome, Classic Type, COL5A1-Related; EDS I. Identifiers: MedGen C0268335, MONDO:0019567, OMIM 130000.

Allele frequency attached by ClinVar (database versions not stated): gnomAD exomes below 0.00001.
gnomAD v4.1: 1 of 1,585,060 alleles (0.000063%); highest among the groups gnomAD compares: Non-Finnish European, 0.000086%; no homozygotes.

Submission:

Labcorp Genetics (formerly Invitae), Labcorp
Classification: Uncertain significance for Ehlers-Danlos syndrome, classic type, 1. Last evaluated: 2023-11-24. Review status: criteria provided, single submitter. Criteria: Invitae Variant Classification Sherloc (09022015). Collection method: clinical testing. Allele origin: germline.
Comment: This sequence change replaces glycine, which is neutral and non-polar, with serine, which is neutral and polar, at codon 1213 of the COL5A1 protein (p.Gly1213Ser). This variant is not present in population databases (gnomAD no frequency). This missense change has been observed in individual(s) with clinical features of Ehlers-Danlos syndrome (Invitae). Advanced modeling of protein sequence and biophysical properties (such as structural, functional, and spatial information, amino acid conservation, physicochemical variation, residue mobility, and thermodynamic stability) performed at Invitae indicates that this missense variant is expected to disrupt COL5A1 protein function with a positive predictive value of 95%. This variant disrupts the triple helix domain of COL5A1. Glycine residues within the Gly-Xaa-Yaa repeats of the triple helix domain are required for the structure and stability of fibrillar collagens (PMID: 7695699, 8218237, 19344236), and variants at these glycine residues in COL5A1 are more frequently observed in individuals with disease than in the general population (PMID: 22696272, 23587214). However, the clinical significance of this observation remains uncertain since only a limited number of affected individuals have been described to date. In summary, the available evidence is currently insufficient to determine the role of this variant in disease. Therefore, it has been classified as a Variant of Uncertain Significance.

Literature cited by the submitters: PubMed 7695699; PubMed 8218237; PubMed 19344236; PubMed 22696272; PubMed 23587214.